The following is an entry in ClinVar:

ClinVar aggregate classification (germline): Likely benign. Review status: criteria provided, multiple submitters, no conflicts (2 of 4 stars). 3 submissions from 3 submitters: Likely benign (3). Last evaluated 2023-02-22.

Conditions:
Cardiovascular phenotype. Identifiers: MedGen CN230736.
Desmin-related myofibrillar myopathy (MFM1). Also called: Myofibrillar myopathy 1; Desminopathy; DESMIN-RELATED MYOPATHY WITH ARRHYTHMOGENIC RIGHT VENTRICULAR CARDIOMYOPATHY; Desmin related myopathy (former name); Desmin storage myopathy (former name); MYOFIBRILLAR MYOPATHY WITH ARRHYTHMOGENIC RIGHT VENTRICULAR CARDIOMYOPATHY. Identifiers: Orphanet 363543, Orphanet 98909, MedGen C1832370, MONDO:0011076, OMIM 601419.

Allele frequency attached by ClinVar (database versions not stated): gnomAD 0.00002; TOPMed 0.00002.
gnomAD v4.1: 16 of 1,563,092 alleles (0.001%); highest among the groups gnomAD compares: Non-Finnish European, 0.0013%; no homozygotes.

Submissions (3):

Labcorp Genetics (formerly Invitae), Labcorp
Classification: Likely benign for Desmin-related myofibrillar myopathy. Last evaluated: 2023-02-22. Review status: criteria provided, single submitter. Criteria: Invitae Variant Classification Sherloc (09022015). Collection method: clinical testing. Allele origin: germline.

Ambry Genetics
Classification: Likely benign for Cardiovascular phenotype. Last evaluated: 2023-01-14. Review status: criteria provided, single submitter. Criteria: Ambry Variant Classification Scheme 2023. Collection method: clinical testing. Allele origin: germline.

GeneDx
Classification: Likely benign. Last evaluated: 2016-08-16. Review status: criteria provided, single submitter. Criteria: GeneDx Variant Classification (06012015). Collection method: clinical testing. Allele origin: germline. Affected: yes.
Comment: This variant is considered likely benign or benign based on one or more of the following criteria: it is a conservative change, it occurs at a poorly conserved position in the protein, it is predicted to be benign by multiple in silico algorithms, and/or has population frequency not consistent with disease.

NM_001927.4(DES):c.258C>G (p.Gly86=)

Gene: DES (desmin; plus strand). Cytogenetic location: 2q35.
Variant type: single nucleotide variant.
Coding change: c.258C>G on transcript NM_001927.4 (MANE Select); coding-DNA position 258, C replaced by G.
Protein change: p.Gly86=; no amino-acid change (glycine 86 retained).
Molecular consequence: synonymous variant.
Genome position (GRCh38, 1-based): chr2:219,418,720, C>G. VCF-style: chr2-219418720-C-G. GRCh37 (hg19) VCF-style: chr2-220283442-C-G.
Other names: c.258C>G (LRG_380t1).
Identifiers: ClinVar variation 388324 (VCV000388324.12), dbSNP rs994454109, ClinGen allele CA16604126.